The following is an entry in ClinVar:

NM_000516.5(GNAS):c.433delG

Gene: GNAS (GNAS complex locus; plus strand). Cytogenetic location: 20q13.32.
Variant type: Deletion.
Coding change: c.433delG on transcript NM_000516.5; coding-DNA position 433, one base deleted (G).
Genome position (GRCh38, 1-based): chr20:58,905,383, G deleted; the last of 2 consecutive G bases (chr20:58,905,382-58,905,383); deleting either gives the same sequence. VCF-style (leftmost placement, unchanged base first): chr20-58905381-AG-A. GRCh37 (hg19) VCF-style: chr20-57480436-AG-A.
Identifiers: ClinVar variation 3346561 (VCV003346561.2).

ClinVar aggregate classification (germline): Likely pathogenic (1 of 4 stars; one submission).

Conditions:
GNAS-related disorder. Identifiers: MedGen CN380105.

Submission:

PreventionGenetics, part of Exact Sciences
Classification: Likely pathogenic for GNAS-related condition. Last evaluated: 2025-05-01. Review status: criteria provided, single submitter. Criteria: ACMG Guidelines, 2015. Collection method: clinical testing. Allele origin: germline.
Comment: The GNAS c.433delG variant is predicted to result in a frameshift and premature protein termination (p.Glu145Asnfs*27). This variant deletes the first nucleotide of exon 6 (based on transcript NM_000516) and is predicted to impact splicing (SpliceAI, Jaganathan et al. 2019. PubMed ID: 30661751). To our knowledge, this variant has not been reported in the literature or in a large population database, indicating this variant is rare. However, a nonsense variant at the same nucleotide (described as c.436G>T, p.E146X based on transcript NM_001077488.1) was reported in an individual with pseudohypoparathyroidism type Ia (P26 in Supplemental Table 1, Thiele et al. 2015. PubMed ID: 25802881) and a variant at the adjacent splice acceptor site (described as c.436-2A>G based on transcript NM_001077488.2) was reported in a study of individuals with pseudohypoparathyroidism type Ia or pseudopseudohypoparathyroidism (Table S2, Snanoudj. 2020. PubMed ID: 31886927). Frameshift and splice variants in GNAS are expected to be pathogenic. This variant is interpreted as likely pathogenic.